The following is an entry in ClinVar:

NM_001283009.2(RTEL1):c.1945C>G (p.Pro649Ala)

Genes: RTEL1 (regulator of telomere elongation helicase 1; plus strand), RTEL1-TNFRSF6B (RTEL1-TNFRSF6B readthrough (NMD candidate); plus strand). Cytogenetic location: 20q13.33.
Variant type: single nucleotide variant.
Coding change: c.1945C>G on transcript NM_001283009.2 (MANE Select); coding-DNA position 1945, C replaced by G.
Protein change: p.Pro649Ala; replaces proline 649 with alanine.
Molecular consequence: missense variant. On other transcripts: non-coding transcript variant (1).
Genome position (GRCh38, 1-based): chr20:63,689,568, C>G. VCF-style: chr20-63689568-C-G. GRCh37 (hg19) VCF-style: chr20-62320921-C-G.
Other names: c.1276C>G, p.Pro426Ala (NM_001283010.1); c.1945C>G, p.Pro649Ala (NM_016434.4); c.2017C>G, p.Pro673Ala (NM_032957.5); short protein forms P426A, P673A, P649A.
Identifiers: ClinVar variation 4827702 (VCV004827702.1).

ClinVar aggregate classification (germline): Uncertain significance (1 of 4 stars; one submission).

Conditions:
Inborn genetic diseases. Identifiers: MedGen C0950123, MeSH D030342.

Submission:

Ambry Genetics
Classification: Uncertain significance for Inborn genetic diseases. Last evaluated: 2026-02-24. Review status: criteria provided, single submitter. Criteria: Ambry Variant Classification Scheme 2023. Collection method: clinical testing. Allele origin: germline.
Comment: The p.P649A variant (also known as c.1945C>G), located in coding exon 22 of the RTEL1 gene, results from a C to G substitution at nucleotide position 1945. The proline at codon 649 is replaced by alanine, an amino acid with highly similar properties. This amino acid position is conserved. In addition, this alteration is predicted to be deleterious by in silico analysis. Based on the available evidence, the clinical significance of this variant remains unclear.